The following is an entry in ClinVar:

ClinVar aggregate classification (germline): Uncertain significance (1 of 4 stars; one submission).

Allele frequency attached by ClinVar (database versions not stated): ExAC 0.00001; gnomAD 0.00001 and 0.00002; gnomAD exomes 0.00001; TOPMed 0.00002; ESP Exome Variant Server 0.00008.
gnomAD v4.1: 25 of 1,612,998 alleles (0.0015%); highest among the groups gnomAD compares: Non-Finnish European, 0.002%; no homozygotes.

Submission:

Labcorp Genetics (formerly Invitae), Labcorp
Classification: Uncertain significance. Last evaluated: 2017-09-28. Review status: criteria provided, single submitter. Criteria: Invitae Variant Classification Sherloc (09022015). Collection method: clinical testing. Allele origin: germline.
Comment: In summary, the available evidence is currently insufficient to determine the role of this variant in disease. Therefore, it has been classified as a Variant of Uncertain Significance. This sequence change replaces glutamic acid with lysine at codon 992 of the PLEKHM2 protein (p.Glu992Lys). The glutamic acid residue is moderately conserved and there is a small physicochemical difference between glutamic acid and lysine. This variant is present in population databases (rs369250576, ExAC 0.002%). This variant has not been reported in the literature in individuals with PLEKHM2-related disease. Algorithms developed to predict the effect of missense changes on protein structure and function do not agree on the potential impact of this missense change (SIFT: "Tolerated"; PolyPhen-2: "Possibly Damaging"; Align-GVGD: "Class C0").

NM_015164.4(PLEKHM2):c.2974G>A (p.Glu992Lys)

Gene: PLEKHM2 (pleckstrin homology and RUN domain containing M2; plus strand). Cytogenetic location: 1p36.21.
Variant type: single nucleotide variant.
Coding change: c.2974G>A on transcript NM_015164.4 (MANE Select); coding-DNA position 2974, G replaced by A.
Protein change: p.Glu992Lys; replaces glutamic acid 992 with lysine.
Molecular consequence: missense variant.
Genome position (GRCh38, 1-based): chr1:15,733,848, G>A. VCF-style: chr1-15733848-G-A. GRCh37 (hg19) VCF-style: chr1-16060343-G-A.
Other names: short protein forms E992K.
Identifiers: ClinVar variation 544345 (VCV000544345.8), dbSNP rs369250576, ClinGen allele CA617419.